The following is an entry in ClinVar:

ClinVar aggregate classification (germline): Likely benign. Review status: criteria provided, multiple submitters, no conflicts (2 of 4 stars). 2 submissions from 2 submitters: Likely benign (2). Last evaluated 2025-08-01.

Conditions:
Hereditary cancer-predisposing syndrome. Also called: Hereditary neoplastic syndrome; Neoplastic Syndromes, Hereditary; Hereditary Cancer Syndrome; Tumor predisposition. Identifiers: Orphanet 140162, MedGen C0027672, MeSH D009386, MONDO:0015356.

gnomAD v4.1: 1 of 1,613,886 alleles (0.000062%); highest among the groups gnomAD compares: Non-Finnish European, 0.000085%; no homozygotes.

Submissions (2):

CeGaT Center for Human Genetics Tuebingen
Classification: Likely benign. Last evaluated: 2025-08-01. Review status: criteria provided, single submitter. Criteria: CeGaT Center For Human Genetics Tuebingen Variant Classification Criteria Version 2. Collection method: clinical testing. Allele origin: germline. Affected: yes. Observed: 1 variant allele.
Comment: PHOX2B: BP4, BP7

Ambry Genetics
Classification: Likely benign for Hereditary cancer-predisposing syndrome. Last evaluated: 2017-06-30. Review status: criteria provided, single submitter. Criteria: Ambry Variant Classification Scheme 2023. Collection method: clinical testing. Allele origin: germline.

NM_003924.4(PHOX2B):c.480G>A (p.Ala160=)

Gene: PHOX2B (paired like homeobox 2B; minus strand). Cytogenetic location: 4p13.
Variant type: single nucleotide variant.
Coding change: c.480G>A on transcript NM_003924.4 (MANE Select); coding-DNA position 480, G replaced by A.
Protein change: p.Ala160=; no amino-acid change (alanine 160 retained).
Molecular consequence: synonymous variant.
Genome position (GRCh38, 1-based): chr4:41,746,272, C>T on the plus strand (G>A on the coding strand, the complement: PHOX2B is on the minus strand). VCF-style: chr4-41746272-C-T. GRCh37 (hg19) VCF-style: chr4-41748289-C-T.
Identifiers: ClinVar variation 486037 (VCV000486037.13), dbSNP rs752437432, ClinGen allele CA439143527.